The following is an entry in ClinVar:

NM_014334.4(FRRS1L):c.110C>T (p.Pro37Leu)

Gene: FRRS1L (ferric chelate reductase 1 like; minus strand). Cytogenetic location: 9q31.3.
Variant type: single nucleotide variant.
Coding change: c.110C>T on transcript NM_014334.4 (MANE Select); coding-DNA position 110, C replaced by T.
Protein change: p.Pro37Leu; replaces proline 37 with leucine.
Molecular consequence: missense variant.
Genome position (GRCh38, 1-based): chr9:109,167,029, G>A on the plus strand (C>T on the coding strand, the complement: FRRS1L is on the minus strand). VCF-style: chr9-109167029-G-A. GRCh37 (hg19) VCF-style: chr9-111929309-G-A.
Other names: short protein forms P37L.
Identifiers: ClinVar variation 936283 (VCV000936283.8), dbSNP rs761439057, ClinGen allele CA5177491.

ClinVar aggregate classification (germline): Uncertain significance. Review status: criteria provided, multiple submitters, no conflicts (2 of 4 stars). 2 submissions from 2 submitters: Uncertain significance (2). Last evaluated 2024-12-25.

Conditions:
Developmental and epileptic encephalopathy, 37 (DEE37). Also called: Epileptic encephalopathy, early infantile, 37. Identifiers: MedGen C4310770, MONDO:0014859, OMIM 616981.
Inborn genetic diseases. Identifiers: MedGen C0950123, MeSH D030342.

Allele frequency attached by ClinVar (database versions not stated): ExAC below 0.00001; gnomAD below 0.00001 and 0.00003; 1000 Genomes Project 30x 0.00047.
gnomAD v4.1: 16 of 1,207,164 alleles (0.0013%); highest among the groups gnomAD compares: South Asian, 0.06%; no homozygotes.

Submissions (2):

Ambry Genetics
Classification: Uncertain significance for Inborn genetic diseases. Last evaluated: 2024-12-25. Review status: criteria provided, single submitter. Criteria: Ambry Variant Classification Scheme 2023. Collection method: clinical testing. Allele origin: germline.

Labcorp Genetics (formerly Invitae), Labcorp
Classification: Uncertain significance for Developmental and epileptic encephalopathy, 37. Last evaluated: 2021-09-01. Review status: criteria provided, single submitter. Criteria: Invitae Variant Classification Sherloc (09022015). Collection method: clinical testing. Allele origin: germline.
Comment: This sequence change replaces proline with leucine at codon 88 of the FRRS1L protein (p.Pro88Leu). The proline residue is weakly conserved and there is a moderate physicochemical difference between proline and leucine. The frequency data for this variant in the population databases is considered unreliable, as metrics indicate poor data quality at this position in the ExAC database. This variant has not been reported in the literature in individuals affected with FRRS1L-related conditions. Algorithms developed to predict the effect of missense changes on protein structure and function are either unavailable or do not agree on the potential impact of this missense change (SIFT: "Tolerated"; PolyPhen-2: "Possibly Damaging"; Align-GVGD: "Class C0"). In summary, the available evidence is currently insufficient to determine the role of this variant in disease. Therefore, it has been classified as a Variant of Uncertain Significance.